The following is an entry in ClinVar:

NM_015202.5(KATNIP):c.2469G>C (p.Lys823Asn)

Gene: KATNIP (katanin interacting protein; plus strand). Cytogenetic location: 16p12.1.
Variant type: single nucleotide variant.
Coding change: c.2469G>C on transcript NM_015202.5 (MANE Select); coding-DNA position 2469, G replaced by C.
Protein change: p.Lys823Asn; replaces lysine 823 with asparagine.
Molecular consequence: missense variant.
Genome position (GRCh38, 1-based): chr16:27,740,766, G>C. VCF-style: chr16-27740766-G-C. GRCh37 (hg19) VCF-style: chr16-27752087-G-C.
Other names: c.2469G>C (NM_015202.3); short protein forms K823N.
Identifiers: ClinVar variation 721349 (VCV000721349.5), dbSNP rs184459807, ClinGen allele CA7977974.

ClinVar aggregate classification (germline): Likely benign. Review status: criteria provided, multiple submitters, no conflicts (2 of 4 stars). 2 submissions from 2 submitters: Likely benign (2). Last evaluated 2025-11-09.

Conditions:
KATNIP-related disorder. Also called: KATNIP-related condition.

Allele frequency attached by ClinVar (database versions not stated): gnomAD 0.00005 and 0.00007; TOPMed 0.00006; 1000 Genomes Project 0.00080; 1000 Genomes Project 30x 0.00094.
gnomAD v4.1: 125 of 1,614,198 alleles (0.0077%); highest among the groups gnomAD compares: East Asian, 0.27%; no homozygotes.

Submissions (2):

Labcorp Genetics (formerly Invitae), Labcorp
Classification: Likely benign. Last evaluated: 2025-11-09. Review status: criteria provided, single submitter. Criteria: Invitae Variant Classification Sherloc (09022015). Collection method: clinical testing. Allele origin: germline.

PreventionGenetics, part of Exact Sciences
Classification: Likely benign for KATNIP-related condition. Last evaluated: 2025-04-07. Review status: criteria provided, single submitter. Criteria: ACMG Guidelines, 2015. Collection method: clinical testing. Allele origin: germline.
Comment: This variant is classified as likely benign based on ACMG/AMP sequence variant interpretation guidelines (Richards et al. 2015 PMID: 25741868, with internal and published modifications).